The following is an entry in ClinVar:

ClinVar aggregate classification (germline): Likely benign (1 of 4 stars; one submission).

Allele frequency attached by ClinVar (database versions not stated): 1000 Genomes Project 0.00140; 1000 Genomes Project 30x 0.00141; ESP Exome Variant Server 0.00458; ExAC 0.00817.
gnomAD v4.1: 10,053 of 1,573,446 alleles (0.64%); highest among the groups gnomAD compares: Non-Finnish European, 0.8%; 41 homozygotes.

Submission:

CeGaT Center for Human Genetics Tuebingen
Classification: Likely benign. Last evaluated: 2023-02-01. Review status: criteria provided, single submitter. Criteria: CeGaT Center For Human Genetics Tuebingen Variant Classification Criteria Version 2. Collection method: clinical testing. Allele origin: germline. Affected: yes. Observed: 1 variant allele.
Comment: COL20A1: BS2

NM_020882.4(COL20A1):c.1394-8C>A

Gene: COL20A1 (collagen type XX alpha 1 chain; plus strand). Cytogenetic location: 20q13.33.
Variant type: single nucleotide variant.
Coding change: c.1394-8C>A on transcript NM_020882.4 (MANE Select); 8 bases into the intron before coding-DNA position 1394, C replaced by A.
Molecular consequence: intron variant.
Genome position (GRCh38, 1-based): chr20:63,311,386, C>A. VCF-style: chr20-63311386-C-A. GRCh37 (hg19) VCF-style: chr20-61942738-C-A.
Identifiers: ClinVar variation 2652523 (VCV002652523.24), dbSNP rs374865413, ClinGen allele CA9956070.